The following is an entry in ClinVar:

ClinVar aggregate classification (germline): Uncertain significance. Review status: criteria provided, multiple submitters, no conflicts (2 of 4 stars). 3 submissions from 3 submitters: Uncertain significance (3). Last evaluated 2025-04-08.

Conditions:
Inborn genetic diseases. Identifiers: MedGen C0950123, MeSH D030342.

Allele frequency attached by ClinVar (database versions not stated): gnomAD exomes 0.00001 and 0.00002; TOPMed 0.00001; ExAC 0.00002; gnomAD 0.00011.
gnomAD v4.1: 33 of 1,612,600 alleles (0.002%); highest among the groups gnomAD compares: Non-Finnish European, 0.0027%; no homozygotes.

Submissions (3):

Ambry Genetics
Classification: Uncertain significance for Inborn genetic diseases. Last evaluated: 2025-04-08. Review status: criteria provided, single submitter. Criteria: Ambry Variant Classification Scheme 2023. Collection method: clinical testing. Allele origin: germline.

Labcorp Genetics (formerly Invitae), Labcorp
Classification: Uncertain significance. Last evaluated: 2022-11-01. Review status: criteria provided, single submitter. Criteria: Invitae Variant Classification Sherloc (09022015). Collection method: clinical testing. Allele origin: germline.
Comment: This sequence change replaces alanine, which is neutral and non-polar, with glycine, which is neutral and non-polar, at codon 49 of the MOCS2A protein (p.Ala49Gly). This variant is present in population databases (rs766341488, gnomAD 0.02%). This variant has not been reported in the literature in individuals affected with MOCS2A-related conditions. ClinVar contains an entry for this variant (Variation ID: 809761). Algorithms developed to predict the effect of missense changes on protein structure and function are either unavailable or do not agree on the potential impact of this missense change (SIFT: "Deleterious"; PolyPhen-2: "Possibly Damaging"; Align-GVGD: "Class C0"). In summary, the available evidence is currently insufficient to determine the role of this variant in disease. Therefore, it has been classified as a Variant of Uncertain Significance.

CeGaT Center for Human Genetics Tuebingen
Classification: Uncertain significance. Last evaluated: 2016-05-01. Review status: criteria provided, single submitter. Criteria: CeGaT Center For Human Genetics Tuebingen Variant Classification Criteria Version 2. Collection method: clinical testing. Allele origin: germline. Affected: yes. Observed: 1 variant allele.

NM_176806.4(MOCS2):c.146C>G (p.Ala49Gly)

Gene: MOCS2 (molybdenum cofactor synthesis 2; minus strand). Cytogenetic location: 5q11.2.
Variant type: single nucleotide variant.
Coding change: c.146C>G on transcript NM_176806.4 (MANE Plus Clinical); coding-DNA position 146, C replaced by G.
Protein change: p.Ala49Gly; replaces alanine 49 with glycine.
Molecular consequence: missense variant. On other transcripts: 5 prime UTR variant (1).
Genome position (GRCh38, 1-based): chr5:53,107,216, G>C on the plus strand (C>G on the coding strand, the complement: MOCS2 is on the minus strand). VCF-style: chr5-53107216-G-C. GRCh37 (hg19) VCF-style: chr5-52403046-G-C.
Other names: c.-42C>G (NM_004531.5); c.146C>G (NM_176806.2); short protein forms A49G.
Identifiers: ClinVar variation 809761 (VCV000809761.43), dbSNP rs766341488, ClinGen allele CA3263784.
Genomic context (GRCh38, chr5:53,107,216, plus strand): 5'-TGATCTCCAAGCTCGACATATTCTTGACGAACAGCAAATATTATCTGATTTCTAACATCA[G>C]CCAATCTAAAGGGGAAAAAATATGACTCAAAGTATCAACGCTATGATAGACCTCAAATCG-3'
Protein context (NP_789776.1, residues 39-59): KEIETRHPGL[Ala49Gly]DVRNQIIFAV